The following is an entry in ClinVar:

ClinVar aggregate classification (germline): Uncertain significance (1 of 4 stars; one submission).

Conditions:
Peroxisome biogenesis disorder. Identifiers: Orphanet 79189, MedGen C1832200, MONDO:0019234. Disease mechanism: loss of function.

Allele frequency attached by ClinVar (database versions not stated): gnomAD exomes 0.00001 and 0.00002; TOPMed 0.00001; ExAC 0.00002.

Submission:

Labcorp Genetics (formerly Invitae), Labcorp
Classification: Uncertain significance for Peroxisome biogenesis disorder. Last evaluated: 2022-07-29. Review status: criteria provided, single submitter. Criteria: Invitae Variant Classification Sherloc (09022015). Collection method: clinical testing. Allele origin: germline.
Comment: This sequence change replaces valine, which is neutral and non-polar, with methionine, which is neutral and non-polar, at codon 92 of the PEX16 protein (p.Val92Met). This variant is present in population databases (rs764174581, gnomAD 0.01%). This variant has not been reported in the literature in individuals affected with PEX16-related conditions. ClinVar contains an entry for this variant (Variation ID: 1410355). Algorithms developed to predict the effect of missense changes on protein structure and function are either unavailable or do not agree on the potential impact of this missense change (SIFT: "Tolerated"; PolyPhen-2: "Probably Damaging"; Align-GVGD: "Class C0"). In summary, the available evidence is currently insufficient to determine the role of this variant in disease. Therefore, it has been classified as a Variant of Uncertain Significance.

NM_004813.4(PEX16):c.274G>A (p.Val92Met)

Gene: PEX16 (peroxisomal biogenesis factor 16; minus strand). Cytogenetic location: 11p11.2.
Variant type: single nucleotide variant.
Coding change: c.274G>A on transcript NM_004813.4 (MANE Select); coding-DNA position 274, G replaced by A.
Protein change: p.Val92Met; replaces valine 92 with methionine.
Molecular consequence: missense variant.
Genome position (GRCh38, 1-based): chr11:45,915,788, C>T on the plus strand (G>A on the coding strand, the complement: PEX16 is on the minus strand). VCF-style: chr11-45915788-C-T. GRCh37 (hg19) VCF-style: chr11-45937339-C-T.
Other names: c.274G>A, p.Val92Met (NM_057174.3); short protein forms V92M.
Identifiers: ClinVar variation 1410355 (VCV001410355.3), dbSNP rs764174581, ClinGen allele CA5960026.